The following is an entry in ClinVar:

NM_001148.6(ANK2):c.10770A>G (p.Glu3590=)

Gene: ANK2 (ankyrin 2; plus strand). Cytogenetic location: 4q26.
Variant type: single nucleotide variant.
Coding change: c.10770A>G on transcript NM_001148.6 (MANE Select); coding-DNA position 10770, A replaced by G.
Protein change: p.Glu3590=; no amino-acid change (glutamic acid 3590 retained).
Molecular consequence: synonymous variant.
Genome position (GRCh38, 1-based): chr4:113,363,351, A>G. VCF-style: chr4-113363351-A-G. GRCh37 (hg19) VCF-style: chr4-114284507-A-G.
Other names: c.4488A>G, p.Glu1496= (NM_001127493.3); c.4527A>G, p.Glu1509= (NM_001354225.2); c.4416A>G, p.Glu1472= (NM_001354228.2, NM_001354258.2); c.4494A>G, p.Glu1498= (NM_001354230.2); c.4557A>G, p.Glu1519= (NM_001354231.2, NM_001354242.2); c.4551A>G, p.Glu1517= (NM_001354232.2); c.4512A>G, p.Glu1504= (NM_001354235.2, NM_001354246.2, NM_001354265.2); c.4413A>G, p.Glu1471= (NM_001354236.2); and 35 more.
Identifiers: ClinVar variation 388478 (VCV000388478.2), dbSNP rs1057523121, ClinGen allele CA16604678.

ClinVar aggregate classification (germline): Likely benign. Review status: criteria provided, multiple submitters, no conflicts (2 of 4 stars). 2 submissions from 2 submitters: Likely benign (2). Last evaluated 2025-07-09.

Conditions:
Cardiovascular phenotype. Identifiers: MedGen CN230736.

Allele frequency attached by ClinVar (database versions not stated): gnomAD exomes below 0.00001.
gnomAD v4.1: 1 of 1,613,232 alleles (0.000062%); highest among the groups gnomAD compares: Non-Finnish European, 0.000085%; no homozygotes.

Submissions (2):

Ambry Genetics
Classification: Likely benign for Cardiovascular phenotype. Last evaluated: 2025-07-09. Review status: criteria provided, single submitter. Criteria: Ambry Variant Classification Scheme 2023. Collection method: clinical testing. Allele origin: germline.

GeneDx
Classification: Likely benign. Last evaluated: 2016-08-08. Review status: criteria provided, single submitter. Criteria: GeneDx Variant Classification (06012015). Collection method: clinical testing. Allele origin: germline. Affected: yes.
Comment: This variant is considered likely benign or benign based on one or more of the following criteria: it is a conservative change, it occurs at a poorly conserved position in the protein, it is predicted to be benign by multiple in silico algorithms, and/or has population frequency not consistent with disease.